The following is an entry in ClinVar:

ClinVar aggregate classification (germline): Likely benign. Review status: criteria provided, multiple submitters, no conflicts (2 of 4 stars). 2 submissions from 2 submitters: Likely benign (2). Last evaluated 2025-05-28.

Conditions:
Dilated cardiomyopathy 1J (CMD1J). Also called: CARDIOMYOPATHY, DILATED, WITH SENSORINEURAL HEARING LOSS, AUTOSOMAL DOMINANT. Identifiers: Orphanet 217622, MedGen C1854368, MONDO:0011541, OMIM 605362.

Submissions (2):

Women's Health and Genetics/Laboratory Corporation of America, LabCorp
Classification: Likely benign. Last evaluated: 2025-05-28. Review status: criteria provided, single submitter. Criteria: LabCorp Variant Classification Summary - May 2015. Collection method: clinical testing. Allele origin: germline.
Comment: Variant summary: EYA4 c.1738+19A>T alters a nucleotide located at a position not widely known to affect splicing. Consensus agreement among computation tools predict no significant impact on normal splicing. However, these predictions have yet to be confirmed by functional studies. The variant was absent in 250504 control chromosomes. The available data on variant occurrences in the general population are insufficient to allow any conclusion about variant significance. To our knowledge, no occurrence of c.1738+19A>T in individuals affected with Dilated Cardiomyopathy and no experimental evidence demonstrating its impact on protein function have been reported. ClinVar contains an entry for this variant (Variation ID: 3700486). Based on the evidence outlined above, the variant was classified as likely benign.

Labcorp Genetics (formerly Invitae), Labcorp
Classification: Likely benign for Dilated cardiomyopathy 1J. Last evaluated: 2024-09-17. Review status: criteria provided, single submitter. Criteria: Invitae Variant Classification Sherloc (09022015). Collection method: clinical testing. Allele origin: germline.

NM_004100.5(EYA4):c.1738+19A>T

Genes: TARID (TCF21 antisense RNA inducing promoter demethylation; minus strand), EYA4 (EYA transcriptional coactivator and phosphatase 4; plus strand). Cytogenetic location: 6q23.2.
Variant type: single nucleotide variant.
Coding change: c.1738+19A>T on transcript NM_004100.5 (MANE Select); 19 bases into the intron after coding-DNA position 1738, A replaced by T.
Molecular consequence: intron variant.
Genome position (GRCh38, 1-based): chr6:133,523,196, A>T. VCF-style: chr6-133523196-A-T. GRCh37 (hg19) VCF-style: chr6-133844334-A-T.
Other names: c.1756+19A>T (NM_001301013.2); c.1738+19A>T (NM_172105.4); c.1669+19A>T (NM_001370458.1, NM_172103.4); c.1594+19A>T (NM_001370459.1); c.1576+19A>T (NM_001301012.2).
Identifiers: ClinVar variation 3700486 (VCV003700486.3).